The following is an entry in ClinVar:

ClinVar aggregate classification (germline): Uncertain significance. Review status: criteria provided, multiple submitters, no conflicts (2 of 4 stars). 2 submissions from 2 submitters: Uncertain significance (2). Last evaluated 2025-06-25.

Allele frequency attached by ClinVar (database versions not stated): gnomAD 0.00001; gnomAD exomes 0.00001; TOPMed 0.00001; ExAC 0.00002.
gnomAD v4.1: 20 of 1,614,036 alleles (0.0012%); highest among the groups gnomAD compares: South Asian, 0.0033%; no homozygotes.

Submissions (2):

Ambry Genetics
Classification: Uncertain significance. Last evaluated: 2025-06-25. Review status: criteria provided, single submitter. Criteria: Ambry Variant Classification Scheme 2023. Collection method: clinical testing. Allele origin: germline.

Labcorp Genetics (formerly Invitae), Labcorp
Classification: Uncertain significance. Last evaluated: 2022-10-27. Review status: criteria provided, single submitter. Criteria: Invitae Variant Classification Sherloc (09022015). Collection method: clinical testing. Allele origin: germline.
Comment: In summary, the available evidence is currently insufficient to determine the role of this variant in disease. Therefore, it has been classified as a Variant of Uncertain Significance. Algorithms developed to predict the effect of missense changes on protein structure and function output the following: SIFT: "Tolerated"; PolyPhen-2: "Benign"; Align-GVGD: "Class C0". The aspartic acid amino acid residue is found in multiple mammalian species, which suggests that this missense change does not adversely affect protein function. This variant has not been reported in the literature in individuals affected with GEN1-related conditions. This variant is present in population databases (rs767707920, gnomAD 0.003%). This sequence change replaces asparagine, which is neutral and polar, with aspartic acid, which is acidic and polar, at codon 154 of the GEN1 protein (p.Asn154Asp).

NM_001130009.3(GEN1):c.460A>G (p.Asn154Asp)

Gene: GEN1 (GEN1 structure-specific endonuclease; plus strand). Cytogenetic location: 2p24.2.
Variant type: single nucleotide variant.
Coding change: c.460A>G on transcript NM_001130009.3 (MANE Select); coding-DNA position 460, A replaced by G.
Protein change: p.Asn154Asp; replaces asparagine 154 with aspartic acid.
Molecular consequence: missense variant.
Genome position (GRCh38, 1-based): chr2:17,765,008, A>G. VCF-style: chr2-17765008-A-G. GRCh37 (hg19) VCF-style: chr2-17946275-A-G.
Other names: c.460A>G, p.Asn154Asp (NM_182625.5); c.460A>G (NM_001130009.1); short protein forms N154D.
Identifiers: ClinVar variation 2898975 (VCV002898975.5), dbSNP rs767707920, ClinGen allele CA1540428.
Genomic context (GRCh38, chr2:17,765,008, plus strand): 5'-GAAGCTGAAGCCATGTGTGCTTATCTCAATGCTGGTGGTCATGTCGATGGCTGCCTCACC[A>G]ATGATGGAGATACTTTCCTTTATGGGGCCCAGACTGTTTACAGGAATTTCACTATGAATA-3'
Protein context (NP_001123481.3, residues 144-164): AGGHVDGCLT[Asn154Asp]DGDTFLYGAQ